The following is an entry in ClinVar:

ClinVar aggregate classification (germline): Likely pathogenic. Review status: criteria provided, multiple submitters, no conflicts (2 of 4 stars). 2 submissions from 2 submitters: Likely pathogenic (2). Last evaluated 2024-02-05.

Conditions:
Bardet-Biedl syndrome 2 (BBS2). Identifiers: Orphanet 110, MedGen C2936863, MONDO:0014432, OMIM 615981.
Retinitis pigmentosa 74 (RP74). Identifiers: Orphanet 791, MedGen C4225281, MONDO:0014692, OMIM 616562.
Bardet-Biedl syndrome (BBS). Identifiers: Orphanet 110, MedGen C0752166, MONDO:0015229.

Allele frequency attached by ClinVar (database versions not stated): gnomAD 0.00001; TOPMed 0.00001; ExAC 0.00002.
gnomAD v4.1: 2 of 1,612,894 alleles (0.00012%); highest among the groups gnomAD compares: African/African-American, 0.0027%; no homozygotes.

Submissions (2):

Fulgent Genetics
Classification: Likely pathogenic for Bardet-Biedl syndrome 2; Retinitis pigmentosa 74. Last evaluated: 2024-02-05. Review status: criteria provided, single submitter. Criteria: ACMG Guidelines, 2015. Collection method: clinical testing. Allele origin: germline.

Labcorp Genetics (formerly Invitae), Labcorp
Classification: Likely pathogenic for Bardet-Biedl syndrome. Last evaluated: 2023-12-14. Review status: criteria provided, single submitter. Criteria: Invitae Variant Classification Sherloc (09022015). Collection method: clinical testing. Allele origin: germline.
Comment: This sequence change affects a donor splice site in intron 2 of the BBS2 gene. It is expected to disrupt RNA splicing. Variants that disrupt the donor or acceptor splice site typically lead to a loss of protein function (PMID: 16199547), and loss-of-function variants in BBS2 are known to be pathogenic (PMID: 11285252, 20177705, 24608809, 26518167). This variant is present in population databases (rs771700269, gnomAD 0.01%). This variant has not been reported in the literature in individuals affected with BBS2-related conditions. Algorithms developed to predict the effect of sequence changes on RNA splicing suggest that this variant may disrupt the consensus splice site. In summary, the currently available evidence indicates that the variant is pathogenic, but additional data are needed to prove that conclusively. Therefore, this variant has been classified as Likely Pathogenic.

Literature cited by the submitters: PubMed 16199547 (cited by Labcorp Genetics (formerly Invitae), Labcorp); PubMed 11285252 (cited by Labcorp Genetics (formerly Invitae), Labcorp); PubMed 20177705 (cited by Labcorp Genetics (formerly Invitae), Labcorp); PubMed 24608809 (cited by Labcorp Genetics (formerly Invitae), Labcorp); PubMed 26518167 (cited by Labcorp Genetics (formerly Invitae), Labcorp).

NM_031885.5(BBS2):c.345+1G>A

Gene: BBS2 (Bardet-Biedl syndrome 2; minus strand). Cytogenetic location: 16q13.
Variant type: single nucleotide variant.
Coding change: c.345+1G>A on transcript NM_031885.5 (MANE Select); the canonical splice donor site of the intron after coding-DNA position 345, G replaced by A.
Molecular consequence: splice donor variant.
Genome position (GRCh38, 1-based): chr16:56,514,452, C>T on the plus strand (G>A on the coding strand, the complement: BBS2 is on the minus strand). VCF-style: chr16-56514452-C-T. GRCh37 (hg19) VCF-style: chr16-56548364-C-T.
Other names: c.345+1G>A (NM_001377456.1).
Identifiers: ClinVar variation 2773228 (VCV002773228.4), dbSNP rs771700269, ClinGen allele CA8066079.